The following is an entry in ClinVar:

ClinVar aggregate classification (germline): Uncertain significance (1 of 4 stars; one submission).

Conditions:
Noonan syndrome 9 (NS9). Identifiers: Orphanet 648, MedGen C4225282, MONDO:0014691, OMIM 616559.

Allele frequency attached by ClinVar (database versions not stated): gnomAD exomes below 0.00001.
gnomAD v4.1: 2 of 1,606,032 alleles (0.00012%); highest among the groups gnomAD compares: Non-Finnish European, 0.00017%; no homozygotes.

Submission:

Labcorp Genetics (formerly Invitae), Labcorp
Classification: Uncertain significance for Noonan syndrome 9. Last evaluated: 2023-01-24. Review status: criteria provided, single submitter. Criteria: Invitae Variant Classification Sherloc (09022015). Collection method: clinical testing. Allele origin: germline.
Comment: Advanced modeling of protein sequence and biophysical properties (such as structural, functional, and spatial information, amino acid conservation, physicochemical variation, residue mobility, and thermodynamic stability) performed at Invitae indicates that this missense variant is expected to disrupt SOS2 protein function. In summary, the available evidence is currently insufficient to determine the role of this variant in disease. Therefore, it has been classified as a Variant of Uncertain Significance. This variant has not been reported in the literature in individuals affected with SOS2-related conditions. This sequence change replaces proline, which is neutral and non-polar, with arginine, which is basic and polar, at codon 1036 of the SOS2 protein (p.Pro1036Arg). This variant is present in population databases (no rsID available, gnomAD 0.0009%).

NM_006939.4(SOS2):c.3107C>G (p.Pro1036Arg)

Gene: SOS2 (SOS Ras/Rho guanine nucleotide exchange factor 2; minus strand). Cytogenetic location: 14q21.3.
Variant type: single nucleotide variant.
Coding change: c.3107C>G on transcript NM_006939.4 (MANE Select); coding-DNA position 3107, C replaced by G.
Protein change: p.Pro1036Arg; replaces proline 1036 with arginine.
Molecular consequence: missense variant.
Genome position (GRCh38, 1-based): chr14:50,130,731, G>C on the plus strand (C>G on the coding strand, the complement: SOS2 is on the minus strand). VCF-style: chr14-50130731-G-C. GRCh37 (hg19) VCF-style: chr14-50597449-G-C.
Other names: c.3008C>G, p.Pro1003Arg (NM_001411020.1); short protein forms P1003R, P1036R.
Identifiers: ClinVar variation 2993808 (VCV002993808.3), dbSNP rs1306516343, ClinGen allele CA389640973.
Genomic context (GRCh38, chr14:50,130,731, plus strand): 5'-GGGTGACCTCGTAAAGTACCTGAGGTAGAGCCATGTCGGCCTGTGTTAGGCCTTATTCCA[G>C]GAGATTTTAAGGAAAAAGTTGATTTCCTAGGCTGAGAAAAGCAAACATAATTAATGTCAC-3'
Protein context (NP_008870.2, residues 1026-1046): PRKSTFSLKS[Pro1036Arg]GIRPNTGRHG